The following is an entry in ClinVar:

ClinVar aggregate classification (germline): Conflicting classifications of pathogenicity. Review status: criteria provided, conflicting classifications (1 of 4 stars). 2 submissions from 2 submitters: Likely pathogenic (1); Uncertain significance (1). Last evaluated 2018-12-18.

Conditions:
Inborn genetic diseases. Identifiers: MedGen C0950123, MeSH D030342.
Encephalopathy, lethal, due to defective mitochondrial peroxisomal fission 1. Identifiers: Orphanet 330050, MedGen C3280660, MONDO:0013726, OMIM 614388.

Submissions (2):

Ambry Genetics
Classification: Uncertain significance for Inborn genetic diseases. Last evaluated: 2018-12-18. Review status: criteria provided, single submitter. Criteria: Ambry exome assertion method (8-5-2015). Collection method: clinical testing. Allele origin: germline. Affected: yes. Observed: 1 variant allele.

Centre for Mendelian Genomics, University Medical Centre Ljubljana
Classification: Likely pathogenic for Encephalopathy, lethal, due to defective mitochondrial peroxisomal fission 1. Last evaluated: 2016-01-01. Review status: criteria provided, single submitter. Criteria: ACMG Guidelines, 2015. Collection method: clinical testing. Allele origin: unknown. Affected: yes.
Comment: This variant was classified as: Likely pathogenic. The following ACMG criteria were applied in classifying this variant: PM2,PM6,PP3,PP4.

NM_012062.5(DNM1L):c.344C>G (p.Thr115Arg)

Gene: DNM1L (dynamin 1 like; plus strand). Cytogenetic location: 12p11.21.
Variant type: single nucleotide variant.
Coding change: c.344C>G on transcript NM_012062.5 (MANE Select); coding-DNA position 344, C replaced by G.
Protein change: p.Thr115Arg; replaces threonine 115 with arginine.
Molecular consequence: missense variant. On other transcripts: intron variant (1).
Genome position (GRCh38, 1-based): chr12:32,708,199, C>G. VCF-style: chr12-32708199-C-G. GRCh37 (hg19) VCF-style: chr12-32861133-C-G.
Other names: c.344C>G, p.Thr115Arg (NM_001278463.2, NM_005690.5, NM_012063.4); c.383C>G, p.Thr128Arg (NM_001278464.2, NM_001278465.2, NM_001330380.2); c.131+786C>G (NM_001278466.2); short protein forms T115R, T128R.
Identifiers: ClinVar variation 931487 (VCV000931487.6), dbSNP rs1952997134, ClinGen allele CA384366219.